The following is an entry in ClinVar:

NM_001128840.3(CACNA1D):c.2179A>T (p.Ile727Phe)

Gene: CACNA1D (calcium voltage-gated channel subunit alpha1 D; plus strand). Cytogenetic location: 3p21.1.
Variant type: single nucleotide variant.
Coding change: c.2179A>T on transcript NM_001128840.3 (MANE Select); coding-DNA position 2179, A replaced by T.
Protein change: p.Ile727Phe; replaces isoleucine 727 with phenylalanine.
Molecular consequence: missense variant.
Genome position (GRCh38, 1-based): chr3:53,726,957, A>T. VCF-style: chr3-53726957-A-T. GRCh37 (hg19) VCF-style: chr3-53760984-A-T.
Other names: c.2239A>T, p.Ile747Phe (NM_000720.4); c.2179A>T, p.Ile727Phe (NM_001128839.3); short protein forms I727F, I747F.
Identifiers: ClinVar variation 1416809 (VCV001416809.6), dbSNP rs2094941339, ClinGen allele CA353239080.

ClinVar aggregate classification (germline): Uncertain significance (1 of 4 stars; one submission).

Allele frequency attached by ClinVar (database versions not stated): TOPMed below 0.00001.
gnomAD v4.1: 3 of 1,614,154 alleles (0.00019%); highest among the groups gnomAD compares: Non-Finnish European, 0.00025%; no homozygotes.

Submission:

Labcorp Genetics (formerly Invitae), Labcorp
Classification: Uncertain significance. Last evaluated: 2022-11-15. Review status: criteria provided, single submitter. Criteria: Invitae Variant Classification Sherloc (09022015). Collection method: clinical testing. Allele origin: germline.
Comment: ClinVar contains an entry for this variant (Variation ID: 1416809). Advanced modeling of protein sequence and biophysical properties (such as structural, functional, and spatial information, amino acid conservation, physicochemical variation, residue mobility, and thermodynamic stability) performed at Invitae indicates that this missense variant is not expected to disrupt CACNA1D protein function. In summary, the available evidence is currently insufficient to determine the role of this variant in disease. Therefore, it has been classified as a Variant of Uncertain Significance. This sequence change replaces isoleucine, which is neutral and non-polar, with phenylalanine, which is neutral and non-polar, at codon 747 of the CACNA1D protein (p.Ile747Phe). This variant is not present in population databases (gnomAD no frequency). This variant has not been reported in the literature in individuals affected with CACNA1D-related conditions.